The following is an entry in ClinVar:

ClinVar aggregate classification (germline): Conflicting classifications of pathogenicity. Review status: criteria provided, conflicting classifications (1 of 4 stars). 9 submissions from 9 submitters: Uncertain significance (2); Likely benign (6). 1 of the submissions does not count toward it. Last evaluated 2026-02-04.

Conditions:
LRP2-related disorder. Also called: LRP2-related condition.
Donnai-Barrow syndrome. Also called: DBS/FOAR SYNDROME; FACIOOCULOACOUSTICORENAL SYNDROME. Identifiers: Orphanet 2143, MedGen C1857277, MONDO:0009104, OMIM 222448.

Allele frequency attached by ClinVar (database versions not stated): 1000 Genomes Project 0.00080; 1000 Genomes Project 30x 0.00109; gnomAD 0.00158 and 0.00164; TOPMed 0.00167; gnomAD exomes 0.00198 and 0.00207; ExAC 0.00201; ESP Exome Variant Server 0.00208.
gnomAD v4.1: 3,251 of 1,614,126 alleles (0.2%); highest among the groups gnomAD compares: Non-Finnish European, 0.22%; 6 homozygotes.

Submissions (12):

Labcorp Genetics (formerly Invitae), Labcorp
Classification: Likely benign. Last evaluated: 2026-02-04. Review status: criteria provided, single submitter. Criteria: Invitae Variant Classification Sherloc (09022015). Collection method: clinical testing. Allele origin: germline.

Blueprint Genetics
Classification: Likely benign. Last evaluated: 2024-11-22. Review status: criteria provided, single submitter. Criteria: ACMG Guidelines, 2015. Collection method: clinical testing. Allele origin: germline.

CeGaT Center for Human Genetics Tuebingen
Classification: Likely benign. Last evaluated: 2024-11-01. Review status: criteria provided, single submitter. Criteria: CeGaT Center For Human Genetics Tuebingen Variant Classification Criteria Version 2. Collection method: clinical testing. Allele origin: germline. Affected: yes. Observed: 6 variant alleles.
Comment: LRP2: BP4

Mayo Clinic Laboratories, Mayo Clinic
Classification: Uncertain significance. Last evaluated: 2023-06-02. Review status: criteria provided, single submitter. Criteria: ACMG Guidelines, 2015. Collection method: clinical testing. Allele origin: germline. Observed: 3 variant alleles.
Comment: BS1

Genome-Nilou Lab
Classification: Likely benign for Donnai-Barrow syndrome. Last evaluated: 2021-07-15. Review status: criteria provided, single submitter. Criteria: ACMG Guidelines, 2015. Collection method: clinical testing. Allele origin: germline. Affected: no.

Department of Pathology and Laboratory Medicine, Sinai Health System
Classification: Likely benign for Donnai-Barrow syndrome. Last evaluated: 2020-07-16. Review status: criteria provided, single submitter. Criteria: ACMG Guidelines, 2015. Collection method: research. Allele origin: germline.

Illumina Laboratory Services, Illumina
Classification: Likely benign for Donnai-Barrow syndrome. Last evaluated: 2018-01-13. Review status: criteria provided, single submitter. Criteria: ICSL Variant Classification Criteria 13 December 2019. Collection method: clinical testing. Allele origin: germline.
Comment: This variant was observed in the ICSL laboratory as part of a predisposition screen in an ostensibly healthy population. It had not been previously curated by ICSL or reported in the Human Gene Mutation Database (HGMD: prior to June 1st, 2018), and was therefore a candidate for classification through an automated scoring system. Utilizing variant allele frequency, disease prevalence and penetrance estimates, and inheritance mode, an automated score was calculated to assess if this variant is too frequent to cause the disease. Based on the score and internal cut-off values, a variant classified as likely benign is not then subjected to further curation. The score for this variant resulted in a classification of likely benign for this disease.

Genetic Services Laboratory, University of Chicago
Classification: Uncertain significance. Last evaluated: 2014-09-29. Review status: criteria provided, single submitter. Criteria: ACMG Guidelines, 2015. Collection method: clinical testing. Allele origin: germline.

PreventionGenetics, part of Exact Sciences
Classification: Likely benign for LRP2-related condition. Last evaluated: 2019-08-26. Review status: no assertion criteria provided. Collection method: clinical testing. Allele origin: germline. Not counted in ClinVar's aggregate classification.
Comment: This variant is classified as likely benign based on ACMG/AMP sequence variant interpretation guidelines (Richards et al. 2015 PMID: 25741868, with internal and published modifications).

Dr. Peter K. Rogan Lab, Western University
No classification provided (evidence only). Condition: Lung cancer. Review status: no classification provided. Collection method: in vitro. Allele origin: not applicable. Functional consequence: retained intron. Not counted in ClinVar's aggregate classification.

Dr. Peter K. Rogan Lab, Western University
No classification provided (evidence only). Condition: Familial cancer of breast. Review status: no classification provided. Collection method: in vitro. Allele origin: not applicable. Functional consequence: retained intron. Not counted in ClinVar's aggregate classification.

Dr. Peter K. Rogan Lab, Western University
No classification provided (evidence only). Condition: Thyroid cancer, nonmedullary, 1. Review status: no classification provided. Collection method: in vitro. Allele origin: not applicable. Functional consequence: retained intron. Not counted in ClinVar's aggregate classification.

Literature cited by the submitters: PubMed 26284228 (cited by Mayo Clinic Laboratories, Mayo Clinic); PubMed 28539120 (cited by Mayo Clinic Laboratories, Mayo Clinic).

NM_004525.3(LRP2):c.4351G>T (p.Val1451Phe)

Gene: LRP2 (LDL receptor related protein 2; minus strand). Cytogenetic location: 2q31.1.
Variant type: single nucleotide variant.
Coding change: c.4351G>T on transcript NM_004525.3 (MANE Select); coding-DNA position 4351, G replaced by T.
Protein change: p.Val1451Phe; replaces valine 1451 with phenylalanine.
Molecular consequence: missense variant.
Genome position (GRCh38, 1-based): chr2:169,238,246, C>A on the plus strand (G>T on the coding strand, the complement: LRP2 is on the minus strand). VCF-style: chr2-169238246-C-A. GRCh37 (hg19) VCF-style: chr2-170094756-C-A.
Other names: p.Val1451Phe; short protein forms V1451F.
Identifiers: ClinVar variation 211398 (VCV000211398.56), dbSNP rs146289506, ClinGen allele CA208536.